The following is an entry in ClinVar:

ClinVar aggregate classification (germline): Uncertain significance. Review status: criteria provided, multiple submitters, no conflicts (2 of 4 stars). 2 submissions from 2 submitters: Uncertain significance (2). Last evaluated 2024-11-16.

Allele frequency attached by ClinVar (database versions not stated): TOPMed 0.00002; gnomAD 0.00001.

Submissions (2):

ARUP Laboratories, Molecular Genetics and Genomics, ARUP Laboratories
Classification: Uncertain significance. Last evaluated: 2024-11-16. Review status: criteria provided, single submitter. Criteria: ARUP Molecular Germline Variant Investigation Process 2024. Collection method: clinical testing. Allele origin: germline.
Comment: The Hb Parma variant (HBA1 c.178G>A; p.Gly60Ser variant, also known as Gly59Ser when numbered from the mature protein, rs281864895, HbVar ID: 2581, ClinVar ID: 993066) to our knowledge, is not reported in the medical literature but is reported in an asymptomatic individual in the HbVar database (see HbVar database link). However, other variants at this codon in the homologous HBA2 gene (Hb Adana; c.179G>A;p.Gly60Asp and Hb Zurich Albisrieden; c.178G>C; p.Gly60Arg) have been reported in affected individuals are considered disease causing (Curuk 1993, Dutly 2004, see HbVar database and references therein). This variant is only observed on one allele in the Genome Aggregation Database (v2.1.1), indicating it is not a common polymorphism. Computational analyses predict that this variant is deleterious (REVEL: 0.899). However, given the lack of clinical and functional data, the significance of p.Gly60Ser variant is uncertain at this time. References: Link to HbVar database: Curuk MA et al. Hb Adana or alpha 2(59)(E8)Gly-->Asp beta 2, a severely unstable alpha 1-globin variant, observed in combination with the -(alpha)20.5 Kb alpha-thal-1 deletion in two Turkish patients. Am J Hematol. 1993 Dec;44(4):270-5. PMID: 8237999. Dutly F et al. A new highly unstable alpha chain variant causing alpha(+)-thalassemia: Hb Zurich Albisrieden [alpha59(E8)Gly-->Arg (alpha2)]. Hemoglobin. 2004;28(4):347-51. PMID: 15658192.

Quest Diagnostics Nichols Institute San Juan Capistrano
Classification: Uncertain significance. Last evaluated: 2018-03-21. Review status: criteria provided, single submitter. Criteria: Quest Diagnostics criteria. Collection method: clinical testing. Allele origin: germline.

NM_000558.5(HBA1):c.178G>A (p.Gly60Ser)

Genes: HBA1 (hemoglobin subunit alpha 1; plus strand), LOC106804613 (hemoglobin subunit alpha 1 recombination region; plus strand). Cytogenetic location: 16p13.3.
Variant type: single nucleotide variant.
Coding change: c.178G>A on transcript NM_000558.5 (MANE Select); coding-DNA position 178, G replaced by A.
Protein change: p.Gly60Ser; replaces glycine 60 with serine.
Molecular consequence: missense variant.
Genome position (GRCh38, 1-based): chr16:177,011, G>A. VCF-style: chr16-177011-G-A. GRCh37 (hg19) VCF-style: chr16-227010-G-A.
Other names: short protein forms G60S.
Identifiers: ClinVar variation 619840 (VCV000619840.4), dbSNP rs281864895, ClinGen allele CA276416807.